The following is an entry in ClinVar:

NC_000023.11:g.(?_101401237)_(101403995_?)dup

Genes: GLA (galactosidase alpha; minus strand), RPL36A-HNRNPH2 (RPL36A-HNRNPH2 readthrough; plus strand). Cytogenetic location: Xq22.1.
Variant type: Duplication.
Identifiers: ClinVar variation 832552 (VCV000832552.12).

ClinVar aggregate classification (germline): Likely pathogenic (1 of 4 stars; one submission).

Conditions:
Fabry disease. Also called: ALPHA-GALACTOSIDASE A DEFICIENCY; ANDERSON-FABRY DISEASE; CERAMIDE TRIHEXOSIDASE DEFICIENCY; GLA DEFICIENCY; HEREDITARY DYSTOPIC LIPIDOSIS; Fabry's disease. Identifiers: Orphanet 324, MedGen C0002986, MONDO:0010526, OMIM 301500, HP:0001071. Disease mechanism: Fabry disease is due to inactivating mutations in the X-linked GLA gene resulting in deficiency of the enzyme Alpha Galactosidase-A., loss of function.

Submission:

Labcorp Genetics (formerly Invitae), Labcorp
Classification: Likely pathogenic for Fabry disease. Last evaluated: 2019-09-05. Review status: criteria provided, single submitter. Criteria: Invitae Variant Classification Sherloc (09022015). Collection method: clinical testing. Allele origin: germline.
Comment: This variant has not been reported in the literature in individuals with GLA-related conditions. This variant results in a copy number gain of the genomic region encompassing exons 2-3 of the GLA gene. While the exact position of this variant cannot be determined from this data, sub-genic copy number gains are generally in tandem (PMID: 25640679) and may result in an absent or disrupted protein product. Loss-of-function variants in GLA are known to be pathogenic (PMID: 10666480, 12175777). In summary, the currently available evidence indicates that the variant is pathogenic, but additional data are needed to prove that conclusively. Therefore, this variant has been classified as Likely Pathogenic.

Literature cited by the submitters: PubMed 25640679; PubMed 10666480; PubMed 12175777.